The following is an entry in ClinVar:

ClinVar aggregate classification (germline): Likely benign (1 of 4 stars; one submission).

Allele frequency attached by ClinVar (database versions not stated): gnomAD 0.00001; ExAC 0.00002; gnomAD exomes 0.00002 and 0.00004; TOPMed 0.00003.
gnomAD v4.1: 29 of 1,613,520 alleles (0.0018%); highest among the groups gnomAD compares: South Asian, 0.0044%; no homozygotes.

Submission:

Laboratory for Molecular Medicine, Mass General Brigham Personalized Medicine
Classification: Likely benign. Last evaluated: 2016-03-28. Review status: criteria provided, single submitter. Criteria: LMM Criteria. Collection method: clinical testing. Allele origin: germline.
Comment: Variant identified in a genome or exome case(s) and assessed due to predicted null impact of the variant or pathogenic assertions in the literature or databases. Disclaimer: This variant has not undergone full assessment. The following are preliminary notes: Silent variant not in splice consensus

NM_002654.6(PKM):c.1248C>T (p.Ala416=)

Gene: PKM (pyruvate kinase M1/2; minus strand). Cytogenetic location: 15q23.
Variant type: single nucleotide variant.
Coding change: c.1248C>T on transcript NM_002654.6 (MANE Select); coding-DNA position 1248, C replaced by T.
Protein change: p.Ala416=; no amino-acid change (alanine 416 retained).
Molecular consequence: synonymous variant. On other transcripts: intron variant (5).
Genome position (GRCh38, 1-based): chr15:72,202,513, G>A on the plus strand (C>T on the coding strand, the complement: PKM is on the minus strand). VCF-style: chr15-72202513-G-A. GRCh37 (hg19) VCF-style: chr15-72494854-G-A.
Other names: c.1026C>T, p.Ala342= (NM_001206797.3); c.1203C>T, p.Ala401= (NM_001206798.3); c.1307+509C>T (NM_182471.4, NM_182470.4); c.1412+509C>T (NM_001316318.2); c.1529+509C>T (NM_001206796.3); c.1322+509C>T (NM_001206799.2).
Identifiers: ClinVar variation 403312 (VCV000403312.4), dbSNP rs11558368, ClinGen allele CA7643167.